The following is an entry in ClinVar:

NM_000548.5(TSC2):c.2737A>T (p.Thr913Ser)

Gene: TSC2 (TSC complex subunit 2; plus strand). Cytogenetic location: 16p13.3.
Variant type: single nucleotide variant.
Coding change: c.2737A>T on transcript NM_000548.5 (MANE Select); coding-DNA position 2737, A replaced by T.
Protein change: p.Thr913Ser; replaces threonine 913 with serine.
Molecular consequence: missense variant.
Genome position (GRCh38, 1-based): chr16:2,076,165, A>T. VCF-style: chr16-2076165-A-T. GRCh37 (hg19) VCF-style: chr16-2126166-A-T.
Other names: c.2737A>T, p.Thr913Ser (NM_001077183.3, NM_001114382.3, NM_001363528.2 and 3 more transcripts); c.2626A>T, p.Thr876Ser (NM_001318827.2); c.2590A>T, p.Thr864Ser (NM_001318829.2); c.2137A>T, p.Thr713Ser (NM_001318831.2); c.2770A>T, p.Thr924Ser (NM_001318832.2); short protein forms T913S, T924S, T713S, T864S, T876S.
Identifiers: ClinVar variation 1466640 (VCV001466640.8), dbSNP rs772378578, ClinGen allele CA394279607.

ClinVar aggregate classification (germline): Uncertain significance (1 of 4 stars; one submission).

Conditions:
Tuberous sclerosis 2 (TSC2). Identifiers: Orphanet 805, MedGen C1860707, MONDO:0013199, OMIM 613254.

Submission:

Labcorp Genetics (formerly Invitae), Labcorp
Classification: Uncertain significance for Tuberous sclerosis 2. Last evaluated: 2020-12-03. Review status: criteria provided, single submitter. Criteria: Invitae Variant Classification Sherloc (09022015). Collection method: clinical testing. Allele origin: germline.
Comment: This sequence change replaces threonine with serine at codon 913 of the TSC2 protein (p.Thr913Ser). The threonine residue is highly conserved and there is a small physicochemical difference between threonine and serine. This variant is not present in population databases (ExAC no frequency). This variant has not been reported in the literature in individuals with TSC2-related conditions. Advanced modeling of protein sequence and biophysical properties (such as structural, functional, and spatial information, amino acid conservation, physicochemical variation, residue mobility, and thermodynamic stability) performed at Invitae indicates that this missense variant is not expected to disrupt TSC2 protein function. In summary, the available evidence is currently insufficient to determine the role of this variant in disease. Therefore, it has been classified as a Variant of Uncertain Significance.